The following is an entry in ClinVar:

ClinVar aggregate classification (germline): Uncertain significance (1 of 4 stars; one submission).

Allele frequency attached by ClinVar (database versions not stated): ExAC 0.00002; gnomAD 0.00001; gnomAD exomes 0.00001 and below 0.00001; TOPMed 0.00001.
gnomAD v4.1: 8 of 1,614,044 alleles (0.0005%); highest among the groups gnomAD compares: Non-Finnish European, 0.00068%; no homozygotes.

Submission:

Labcorp Genetics (formerly Invitae), Labcorp
Classification: Uncertain significance. Last evaluated: 2023-11-27. Review status: criteria provided, single submitter. Criteria: Invitae Variant Classification Sherloc (09022015). Collection method: clinical testing. Allele origin: germline.
Comment: This sequence change replaces arginine, which is basic and polar, with isoleucine, which is neutral and non-polar, at codon 483 of the ARSG protein (p.Arg483Ile). This variant is present in population databases (rs772638398, gnomAD 0.002%). This variant has not been reported in the literature in individuals affected with ARSG-related conditions. ClinVar contains an entry for this variant (Variation ID: 1513076). Advanced modeling of protein sequence and biophysical properties (such as structural, functional, and spatial information, amino acid conservation, physicochemical variation, residue mobility, and thermodynamic stability) performed at Invitae indicates that this missense variant is not expected to disrupt ARSG protein function with a negative predictive value of 80%. In summary, the available evidence is currently insufficient to determine the role of this variant in disease. Therefore, it has been classified as a Variant of Uncertain Significance.

NM_001267727.2(ARSG):c.1448G>T (p.Arg483Ile)

Genes: ARSG (arylsulfatase G; plus strand), PRKAR1A (protein kinase cAMP-dependent type I regulatory subunit alpha; plus strand). Cytogenetic location: 17q24.2.
Variant type: single nucleotide variant.
Coding change: c.1448G>T on transcript NM_001267727.2 (MANE Select); coding-DNA position 1448, G replaced by T.
Protein change: p.Arg483Ile; replaces arginine 483 with isoleucine.
Molecular consequence: missense variant. On other transcripts: intron variant (3).
Genome position (GRCh38, 1-based): chr17:68,420,333, G>T. VCF-style: chr17-68420333-G-T. GRCh37 (hg19) VCF-style: chr17-66416474-G-T.
Other names: c.1445G>T, p.Arg482Ile (NM_001352906.2, NM_001352907.2, NM_001352903.2 and 2 more transcripts); c.1448G>T, p.Arg483Ile (NM_014960.5, NM_001352900.2, NM_001352901.2 and 2 more transcripts); c.1303+18883G>T (NM_001352910.2); c.1255+18883G>T (NM_001352909.2); c.-7+6538G>T (NM_001278433.2); short protein forms R483I, R482I.
Identifiers: ClinVar variation 1513076 (VCV001513076.5), dbSNP rs772638398, ClinGen allele CA8728582.